The following is an entry in ClinVar:

NM_000257.4(MYH7):c.3289G>A (p.Glu1097Lys)

Gene: MYH7 (myosin heavy chain 7; minus strand). Cytogenetic location: 14q11.2.
Variant type: single nucleotide variant.
Coding change: c.3289G>A on transcript NM_000257.4 (MANE Select); coding-DNA position 3289, G replaced by A.
Protein change: p.Glu1097Lys; replaces glutamic acid 1097 with lysine.
Molecular consequence: missense variant.
Genome position (GRCh38, 1-based): chr14:23,421,005, C>T on the plus strand (G>A on the coding strand, the complement: MYH7 is on the minus strand). VCF-style: chr14-23421005-C-T. GRCh37 (hg19) VCF-style: chr14-23890214-C-T.
Other names: c.3289G>A, p.Glu1097Lys (NM_001407004.1); short protein forms E1097K.
Identifiers: ClinVar variation 3721456 (VCV003721456.3).

ClinVar aggregate classification (germline): Uncertain significance. Review status: criteria provided, multiple submitters, no conflicts (2 of 4 stars). 2 submissions from 2 submitters: Uncertain significance (2). Last evaluated 2025-12-15.

Conditions:
Cardiomyopathy (CMYO). Also called: Cardiomyopathies. Identifiers: Orphanet 167848, MedGen C0878544, MONDO:0004994, HP:0001638. Inheritance: Various modes of inheritance.
Hypertrophic cardiomyopathy. Also called: HYPERTROPHIC MYOCARDIOPATHY. Identifiers: Orphanet 217569, MedGen C0007194, MeSH D002312, MONDO:0005045, HP:0001639.

gnomAD v4.1: 5 of 1,612,782 alleles (0.00031%); highest among the groups gnomAD compares: Non-Finnish European, 0.00042%; no homozygotes.

Submissions (2):

Labcorp Genetics (formerly Invitae), Labcorp
Classification: Uncertain significance for Hypertrophic cardiomyopathy. Last evaluated: 2025-12-15. Review status: criteria provided, single submitter. Criteria: Invitae Variant Classification Sherloc (09022015). Collection method: clinical testing. Allele origin: germline.
Comment: This sequence change replaces glutamic acid, which is acidic and polar, with lysine, which is basic and polar, at codon 1097 of the MYH7 protein (p.Glu1097Lys). This variant is not present in population databases (gnomAD no frequency). This missense change has been observed in individual(s) with MYH7-related conditions (PMID: 27532257, 37652022). ClinVar contains an entry for this variant (Variation ID: 3721456). Invitae Evidence Modeling of protein sequence and biophysical properties (such as structural, functional, and spatial information, amino acid conservation, physicochemical variation, residue mobility, and thermodynamic stability) indicates that this missense variant is expected to disrupt MYH7 protein function with a positive predictive value of 95%. In summary, the available evidence is currently insufficient to determine the role of this variant in disease. Therefore, it has been classified as a Variant of Uncertain Significance.

Color Diagnostics, LLC DBA Color Health
Classification: Uncertain significance for Cardiomyopathy. Last evaluated: 2024-11-18. Review status: criteria provided, single submitter. Criteria: ACMG Guidelines, 2015. Collection method: clinical testing. Allele origin: germline.
Comment: This missense variant replaces glutamic acid with lysine at codon 1097 of the MYH7 protein. Computational prediction suggests that this variant may have deleterious impact on protein structure and function. To our knowledge, functional studies have not been reported for this variant. This variant has been reported in an individual affected with hypertrophic cardiomyopathy (PMID: 27532257). This variant has not been identified in the general population by the Genome Aggregation Database (gnomAD). The available evidence is insufficient to determine the role of this variant in disease conclusively. Therefore, this variant is classified as a Variant of Uncertain Significance.

Literature cited by the submitters: PubMed 27532257 (cited by Labcorp Genetics (formerly Invitae), Labcorp and Color Diagnostics, LLC DBA Color Health); PubMed 37652022 (cited by Labcorp Genetics (formerly Invitae), Labcorp).